The following is an entry in ClinVar:

ClinVar aggregate classification (germline): Pathogenic (1 of 4 stars; one submission).

Conditions:
Early-infantile DEE. Also called: Early infantile epileptic encephalopathy; Ohtahara syndrome; Early infantile epileptic encephalopathy with suppression bursts. Identifiers: Orphanet 1934, MedGen C0393706, MONDO:0800491.

Submission:

Labcorp Genetics (formerly Invitae), Labcorp
Classification: Pathogenic for Early-infantile DEE. Last evaluated: 2022-07-12. Review status: criteria provided, single submitter. Criteria: Invitae Variant Classification Sherloc (09022015). Collection method: clinical testing. Allele origin: germline.
Comment: This variant has not been reported in the literature in individuals affected with SCN1A-related conditions. This sequence change creates a premature translational stop signal (p.Val1481Hisfs*4) in the SCN1A gene. It is expected to result in an absent or disrupted protein product. Loss-of-function variants in SCN1A are known to be pathogenic (PMID: 17347258, 18930999). This variant is not present in population databases (gnomAD no frequency). For these reasons, this variant has been classified as Pathogenic.

Literature cited by the submitters: PubMed 17347258; PubMed 18930999.

NM_001165963.4(SCN1A):c.4441_4442del (p.Val1481fs)

Genes: SCN1A (sodium voltage-gated channel alpha subunit 1; minus strand), LOC102724058 (uncharacterized LOC102724058; plus strand). Cytogenetic location: 2q24.3.
Variant type: Microsatellite.
Coding change: c.4441_4442del on transcript NM_001165963.4 (MANE Select); coding-DNA positions 4441 to 4442, 2 bases deleted (GT; older notation c.4441_4442delGT).
Protein change: p.Val1481fs; shifts the reading frame from valine 1481.
Molecular consequence: frameshift variant. On other transcripts: non-coding transcript variant (1).
Genome position (GRCh38, 1-based): chr2:165,998,072-165,998,073, AC deleted on the plus strand (GT on the coding strand, the reverse complement: SCN1A is on the minus strand); deleting any 2 consecutive bases within chr2:165,998,072-165,998,075 gives the same sequence; the c. name uses the placement nearest the transcript's 3' end. VCF-style (leftmost placement, unchanged base first): chr2-165998071-GAC-G. GRCh37 (hg19) VCF-style: chr2-166854581-GAC-G.
Other names: c.4357_4358del, p.Val1453fs (NM_001165964.3, NM_001353957.2, NM_001353958.2); c.4441_4442del, p.Val1481fs (NM_001202435.3, NM_001353948.2); c.4408_4409del, p.Val1470fs (NM_001353949.2, NM_001353950.2, NM_001353951.2 and 2 more transcripts); c.4405_4406del, p.Val1469fs (NM_001353954.2, NM_001353955.2); c.4354_4355del, p.Val1452fs (NM_001353960.2); c.1999_2000del, p.Val667fs (NM_001353961.2); short protein forms V1470fs, V1481fs, V667fs, V1452fs, V1453fs, V1469fs.
Identifiers: ClinVar variation 1397824 (VCV001397824.7), dbSNP rs2105475874, ClinGen allele CA2580614405.